The following is an entry in ClinVar:

NM_000277.3(PAH):c.859C>A (p.Leu287Met)

Genes: PAH (phenylalanine hydroxylase; minus strand), LOC126861615 (CDK7 strongly-dependent group 2 enhancer GRCh37_chr12:103244689-103245888; plus strand). Cytogenetic location: 12q23.2.
Variant type: single nucleotide variant.
Coding change: c.859C>A on transcript NM_000277.3 (MANE Select); coding-DNA position 859, C replaced by A.
Protein change: p.Leu287Met; replaces leucine 287 with methionine.
Molecular consequence: missense variant.
Genome position (GRCh38, 1-based): chr12:102,851,740, G>T on the plus strand (C>A on the coding strand, the complement: PAH is on the minus strand). VCF-style: chr12-102851740-G-T. GRCh37 (hg19) VCF-style: chr12-103245518-G-T.
Other names: c.859C>A, p.Leu287Met (NM_001354304.2); short protein forms L287M.
Identifiers: ClinVar variation 1068222 (VCV001068222.7), dbSNP rs781096854, ClinGen allele CA386294463.

ClinVar aggregate classification (germline): Likely pathogenic (1 of 4 stars; one submission).

Conditions:
Phenylketonuria (PKU). Also called: Phenylketonurias; Phenylketonuria (PKU); OLIGOPHRENIA PHENYLPYRUVICA; FOLLING DISEASE. Identifiers: Orphanet 716, MedGen C0031485, MONDO:0009861, OMIM 261600. Disease mechanism: loss of function.

Allele frequency attached by ClinVar (database versions not stated): gnomAD 0.00001.

Submission:

Labcorp Genetics (formerly Invitae), Labcorp
Classification: Likely pathogenic for Phenylketonuria. Last evaluated: 2023-09-08. Review status: criteria provided, single submitter. Criteria: Invitae Variant Classification Sherloc (09022015). Collection method: clinical testing. Allele origin: germline.
Comment: This variant disrupts the p.Leu287 amino acid residue in PAH. Other variant(s) that disrupt this residue have been determined to be pathogenic (PMID: 12409276, 16198137). This suggests that this residue is clinically significant, and that variants that disrupt this residue are likely to be disease-causing. Advanced modeling of protein sequence and biophysical properties (such as structural, functional, and spatial information, amino acid conservation, physicochemical variation, residue mobility, and thermodynamic stability) performed at Invitae indicates that this missense variant is not expected to disrupt PAH protein function. ClinVar contains an entry for this variant (Variation ID: 1068222). This variant has not been reported in the literature in individuals affected with PAH-related conditions. This variant is present in population databases (no rsID available, gnomAD 0.01%). This sequence change replaces leucine, which is neutral and non-polar, with methionine, which is neutral and non-polar, at codon 287 of the PAH protein (p.Leu287Met). In summary, the currently available evidence indicates that the variant is pathogenic, but additional data are needed to prove that conclusively. Therefore, this variant has been classified as Likely Pathogenic.

Literature cited by the submitters: PubMed 12409276; PubMed 16198137.